The following is an entry in ClinVar:

ClinVar aggregate classification (germline): Uncertain significance (1 of 4 stars; one submission).

Submission:

Labcorp Genetics (formerly Invitae), Labcorp
Classification: Uncertain significance. Last evaluated: 2023-06-04. Review status: criteria provided, single submitter. Criteria: Invitae Variant Classification Sherloc (09022015). Collection method: clinical testing. Allele origin: germline.
Comment: In summary, the available evidence is currently insufficient to determine the role of this variant in disease. Therefore, it has been classified as a Variant of Uncertain Significance. An algorithm developed to predict the effect of missense changes on protein structure and function (PolyPhen-2) suggests that this variant is likely to be disruptive. This variant has not been reported in the literature in individuals affected with CARD8-related conditions. This variant is not present in population databases (gnomAD no frequency). This sequence change replaces isoleucine, which is neutral and non-polar, with methionine, which is neutral and non-polar, at codon 204 of the CARD8 protein (p.Ile204Met).

NM_001184900.3(CARD8):c.762C>G (p.Ile254Met)

Gene: CARD8 (caspase recruitment domain family member 8; minus strand). Cytogenetic location: 19q13.33.
Variant type: single nucleotide variant.
Coding change: c.762C>G on transcript NM_001184900.3 (MANE Select); coding-DNA position 762, C replaced by G.
Protein change: p.Ile254Met; replaces isoleucine 254 with methionine.
Molecular consequence: missense variant. On other transcripts: non-coding transcript variant (4).
Genome position (GRCh38, 1-based): chr19:48,230,787, G>C on the plus strand (C>G on the coding strand, the complement: CARD8 is on the minus strand). VCF-style: chr19-48230787-G-C. GRCh37 (hg19) VCF-style: chr19-48734044-G-C.
Other names: c.612C>G, p.Ile204Met (NM_001184901.1, NM_001351783.2, NM_001351788.2 and 2 more transcripts); c.762C>G, p.Ile254Met (NM_001184902.2, NM_001184903.1, NM_001351782.2); c.447C>G, p.Ile149Met (NM_001351784.2, NM_001351787.2, NM_001351791.2 and 2 more transcripts); c.426C>G, p.Ile142Met (NM_001351786.2); c.519C>G, p.Ile173Met (NM_001351790.2); c.-61C>G (NM_001426741.1); short protein forms I149M, I204M, I254M, I142M, I173M.
Identifiers: ClinVar variation 2776779 (VCV002776779.3), dbSNP rs868409433, ClinGen allele CA406644191.